The following is an entry in ClinVar:

NM_014975.3(MAST1):c.969C>T (p.Tyr323=)

Gene: MAST1 (microtubule associated serine/threonine kinase 1; plus strand). Cytogenetic location: 19p13.13.
Variant type: single nucleotide variant.
Coding change: c.969C>T on transcript NM_014975.3 (MANE Select); coding-DNA position 969, C replaced by T.
Protein change: p.Tyr323=; no amino-acid change (tyrosine 323 retained).
Molecular consequence: synonymous variant.
Genome position (GRCh38, 1-based): chr19:12,852,207, C>T. VCF-style: chr19-12852207-C-T. GRCh37 (hg19) VCF-style: chr19-12963021-C-T.
Identifiers: ClinVar variation 2649348 (VCV002649348.24), dbSNP rs2512527124, ClinGen allele CA505775984.

ClinVar aggregate classification (germline): Likely benign (1 of 4 stars; one submission).

Submission:

CeGaT Center for Human Genetics Tuebingen
Classification: Likely benign. Last evaluated: 2023-02-01. Review status: criteria provided, single submitter. Criteria: CeGaT Center For Human Genetics Tuebingen Variant Classification Criteria Version 2. Collection method: clinical testing. Allele origin: germline. Affected: yes. Observed: 1 variant allele.
Comment: MAST1: PM2:Supporting, BP4, BP7